The following is an entry in ClinVar:

NM_001289104.2(PRKCSH):c.279C>T (p.Asn93=)

Gene: PRKCSH (PRKCSH beta subunit of glucosidase II; plus strand). Cytogenetic location: 19p13.2.
Variant type: single nucleotide variant.
Coding change: c.279C>T on transcript NM_001289104.2 (MANE Select); coding-DNA position 279, C replaced by T.
Protein change: p.Asn93=; no amino-acid change (asparagine 93 retained).
Molecular consequence: synonymous variant.
Genome position (GRCh38, 1-based): chr19:11,437,958, C>T. VCF-style: chr19-11437958-C-T. GRCh37 (hg19) VCF-style: chr19-11548779-C-T.
Other names: c.279C>T (NM_002743.2); c.279C>T, p.Asn93= (NM_001001329.3, NM_001289102.2, NM_001289103.2 and 3 more transcripts).
Identifiers: ClinVar variation 1640028 (VCV001640028.12), dbSNP rs777837737, ClinGen allele CA9212765.
Genomic context (GRCh38, chr19:11,437,958, plus strand): 5'-CAGCTTCCACTGCACCAACACTGGCTATAAGCCCCTGTATATCCCCTCCAACCGGGTCAA[C>T]GATGGTGTTTGTGGTAAGTGAAGATGCACCAGGATTCTGGAAAGGTGGTAGAGGGAGGGA-3'
Protein context (NP_001276033.1, residues 83-103): KPLYIPSNRV[Asn93=]DGVCDCCDGT

ClinVar aggregate classification (germline): Likely benign. Review status: criteria provided, multiple submitters, no conflicts (2 of 4 stars). 5 submissions from 5 submitters: Likely benign (4). 1 of the submissions does not count toward it. Last evaluated 2025-05-18.

Conditions:
Inborn genetic diseases. Identifiers: MedGen C0950123, MeSH D030342.
Polycystic liver disease 1 (PCLD1). Also called: Polycystic liver disease 1 with or without kidney cysts. Identifiers: Orphanet 2924, MedGen C0887850, MONDO:0008265, OMIM 174050.
PRKCSH-related disorder. Also called: PRKCSH-related condition.

Allele frequency attached by ClinVar (database versions not stated): ExAC 0.00002; gnomAD exomes 0.00002 and 0.00003; gnomAD 0.00007; TOPMed 0.00008.

Submissions (5):

Ambry Genetics
Classification: Likely benign for Inborn genetic diseases. Last evaluated: 2025-05-18. Review status: criteria provided, single submitter. Criteria: Ambry Variant Classification Scheme 2023. Collection method: clinical testing. Allele origin: germline.

Labcorp Genetics (formerly Invitae), Labcorp
Classification: Likely benign. Last evaluated: 2024-03-28. Review status: criteria provided, single submitter. Criteria: Invitae Variant Classification Sherloc (09022015). Collection method: clinical testing. Allele origin: germline.

Fulgent Genetics
Classification: Likely benign for Polycystic liver disease 1. Last evaluated: 2021-11-05. Review status: criteria provided, single submitter. Criteria: ACMG Guidelines, 2015. Collection method: clinical testing. Allele origin: unknown.

Blueprint Genetics
Classification: Likely benign. Last evaluated: 2020-12-14. Review status: criteria provided, single submitter. Criteria: ACMG Guidelines, 2015. Collection method: clinical testing. Allele origin: germline.

PreventionGenetics, part of Exact Sciences
Classification: Likely benign for PRKCSH-related condition. Last evaluated: 2024-09-10. Review status: no assertion criteria provided. Collection method: clinical testing. Allele origin: germline. Not counted in ClinVar's aggregate classification.
Comment: This variant is classified as likely benign based on ACMG/AMP sequence variant interpretation guidelines (Richards et al. 2015 PMID: 25741868, with internal and published modifications).